The following is an entry in ClinVar:

ClinVar aggregate classification (germline): Benign/Likely benign. Review status: criteria provided, multiple submitters, no conflicts (2 of 4 stars). 4 submissions from 4 submitters: Benign (1); Likely benign (3). Last evaluated 2025-10-26.

Conditions:
Renal hypomagnesemia 4. Also called: HYPOMAGNESEMIA, RENAL, NORMOCALCIURIC. Identifiers: Orphanet 34527, MedGen C2673648, MONDO:0012717, OMIM 611718.

Allele frequency attached by ClinVar (database versions not stated): gnomAD 0.00006 and 0.00027; TOPMed 0.00008; ESP Exome Variant Server 0.00015; gnomAD exomes 0.00047 and 0.00090; ExAC 0.00105; 1000 Genomes Project 30x 0.00125; 1000 Genomes Project 0.00160.
gnomAD v4.1: 723 of 1,613,560 alleles (0.045%); highest among the groups gnomAD compares: South Asian, 0.69%; 13 homozygotes.

Submissions (4):

Labcorp Genetics (formerly Invitae), Labcorp
Classification: Benign. Last evaluated: 2025-10-26. Review status: criteria provided, single submitter. Criteria: Invitae Variant Classification Sherloc (09022015). Collection method: clinical testing. Allele origin: germline.

Fulgent Genetics
Classification: Likely benign for Renal hypomagnesemia 4. Last evaluated: 2021-10-10. Review status: criteria provided, single submitter. Criteria: ACMG Guidelines, 2015. Collection method: clinical testing. Allele origin: unknown.

Illumina Laboratory Services, Illumina
Classification: Likely benign for Renal hypomagnesemia 4. Last evaluated: 2018-01-13. Review status: criteria provided, single submitter. Criteria: ICSL Variant Classification Criteria 13 December 2019. Collection method: clinical testing. Allele origin: germline.
Comment: This variant was observed in the ICSL laboratory as part of a predisposition screen in an ostensibly healthy population. It had not been previously curated by ICSL or reported in the Human Gene Mutation Database (HGMD: prior to June 1st, 2018), and was therefore a candidate for classification through an automated scoring system. Utilizing variant allele frequency, disease prevalence and penetrance estimates, and inheritance mode, an automated score was calculated to assess if this variant is too frequent to cause the disease. Based on the score and internal cut-off values, a variant classified as likely benign is not then subjected to further curation. The score for this variant resulted in a classification of likely benign for this disease.

Breakthrough Genomics
Classification: Likely benign. Review status: criteria provided, single submitter. Criteria: ACMG Guidelines, 2015. Collection method: not provided. Allele origin: germline. Inheritance: Autosomal recessive inheritance. Affected: yes.

NM_001963.6(EGF):c.1190-10T>C

Gene: EGF (epidermal growth factor; plus strand). Cytogenetic location: 4q25.
Variant type: single nucleotide variant.
Coding change: c.1190-10T>C on transcript NM_001963.6 (MANE Select); 10 bases into the intron before coding-DNA position 1190, T replaced by C.
Molecular consequence: intron variant.
Genome position (GRCh38, 1-based): chr4:109,961,853, T>C. VCF-style: chr4-109961853-T-C. GRCh37 (hg19) VCF-style: chr4-110883009-T-C.
Other names: c.1190-10T>C (NM_001178130.3); c.1064-10T>C (NM_001178131.3, NM_001357021.2).
Identifiers: ClinVar variation 901699 (VCV000901699.10), dbSNP rs373046487, ClinGen allele CA3043612.